The following is an entry in ClinVar:

NM_004304.5(ALK):c.457G>C (p.Gly153Arg)

Gene: ALK (ALK receptor tyrosine kinase; minus strand). Cytogenetic location: 2p23.1.
Variant type: single nucleotide variant.
Coding change: c.457G>C on transcript NM_004304.5 (MANE Select); coding-DNA position 457, G replaced by C.
Protein change: p.Gly153Arg; replaces glycine 153 with arginine.
Molecular consequence: missense variant.
Genome position (GRCh38, 1-based): chr2:29,920,203, C>G on the plus strand (G>C on the coding strand, the complement: ALK is on the minus strand). VCF-style: chr2-29920203-C-G. GRCh37 (hg19) VCF-style: chr2-30143069-C-G.
Other names: short protein forms G153R.
Identifiers: ClinVar variation 4725355 (VCV004725355.1).

ClinVar aggregate classification (germline): Uncertain significance (1 of 4 stars; one submission).

Conditions:
Neuroblastoma, susceptibility to, 3. Also called: ALK-Related Neuroblastic Tumor Susceptibility. Identifiers: Orphanet 635, MedGen C2751681, MONDO:0013083, OMIM 613014.

Submission:

Labcorp Genetics (formerly Invitae), Labcorp
Classification: Uncertain significance for Neuroblastoma, susceptibility to, 3. Last evaluated: 2025-08-13. Review status: criteria provided, single submitter. Criteria: Invitae Variant Classification Sherloc (09022015). Collection method: clinical testing. Allele origin: germline.
Comment: This sequence change replaces glycine, which is neutral and non-polar, with arginine, which is basic and polar, at codon 153 of the ALK protein (p.Gly153Arg). This variant is present in population databases (no rsID available, gnomAD 0.006%). This variant has not been reported in the literature in individuals affected with ALK-related conditions. An algorithm developed to predict the effect of missense changes on protein structure and function (PolyPhen-2) suggests that this variant is likely to be disruptive. In summary, the available evidence is currently insufficient to determine the role of this variant in disease. Therefore, it has been classified as a Variant of Uncertain Significance.